The following is an entry in ClinVar:

NM_001080449.3(DNA2):c.616A>T (p.Ile206Leu)

Gene: DNA2 (DNA replication helicase/nuclease 2; minus strand). Cytogenetic location: 10q21.3.
Variant type: single nucleotide variant.
Coding change: c.616A>T on transcript NM_001080449.3 (MANE Select); coding-DNA position 616, A replaced by T.
Protein change: p.Ile206Leu; replaces isoleucine 206 with leucine.
Molecular consequence: missense variant. On other transcripts: non-coding transcript variant (1).
Genome position (GRCh38, 1-based): chr10:68,459,207, T>A on the plus strand (A>T on the coding strand, the complement: DNA2 is on the minus strand). VCF-style: chr10-68459207-T-A. GRCh37 (hg19) VCF-style: chr10-70218964-T-A.
Other names: short protein forms I206L.
Identifiers: ClinVar variation 2818917 (VCV002818917.3), dbSNP rs1286351168, ClinGen allele CA376864901.

ClinVar aggregate classification (germline): Uncertain significance (1 of 4 stars; one submission).

Allele frequency attached by ClinVar (database versions not stated): gnomAD exomes below 0.00001.
gnomAD v4.1: 1 of 1,563,848 alleles (0.000064%); highest among the groups gnomAD compares: Non-Finnish European, 0.000087%; no homozygotes.

Submission:

Labcorp Genetics (formerly Invitae), Labcorp
Classification: Uncertain significance. Last evaluated: 2023-11-10. Review status: criteria provided, single submitter. Criteria: Invitae Variant Classification Sherloc (09022015). Collection method: clinical testing. Allele origin: germline.
Comment: This sequence change replaces isoleucine, which is neutral and non-polar, with leucine, which is neutral and non-polar, at codon 206 of the DNA2 protein (p.Ile206Leu). This variant is not present in population databases (gnomAD no frequency). This variant has not been reported in the literature in individuals affected with DNA2-related conditions. Advanced modeling of protein sequence and biophysical properties (such as structural, functional, and spatial information, amino acid conservation, physicochemical variation, residue mobility, and thermodynamic stability) performed at Invitae indicates that this missense variant is not expected to disrupt DNA2 protein function with a negative predictive value of 80%. In summary, the available evidence is currently insufficient to determine the role of this variant in disease. Therefore, it has been classified as a Variant of Uncertain Significance.